The following is an entry in ClinVar:

ClinVar aggregate classification (germline): Pathogenic/Likely pathogenic. Review status: criteria provided, multiple submitters, no conflicts (2 of 4 stars). 7 submissions from 6 submitters: Pathogenic (5); Likely pathogenic (1). 1 of the submissions does not count toward it. Last evaluated 2024-05-16.

Conditions:
Leber congenital amaurosis (LCA). Also called: Leber's amaurosis. Identifiers: Orphanet 65, MedGen C0339527, MeSH D057130, MONDO:0018998.
Inborn genetic diseases. Identifiers: MedGen C0950123, MeSH D030342.
Stargardt disease (FFM). Also called: Stargardt's disease; Fundus flavimaculatus. Identifiers: Orphanet 827, MedGen C0271093, MONDO:0019353.
Leber congenital amaurosis 8 (LCA8). Identifiers: Orphanet 65, MedGen C3151202, MONDO:0013453, OMIM 613835.
Retinitis pigmentosa 12 (RP12). Also called: RP WITH OR WITHOUT PPRPE; RP WITH OR WITHOUT PRESERVED PARAARTERIOLE RETINAL PIGMENT EPITHELIUM; RETINITIS PIGMENTOSA WITH OR WITHOUT PARAARTERIOLAR PRESERVATION OF RETINAL PIGMENT EPITHELIUM. Identifiers: Orphanet 791, MedGen C1838647, MONDO:0010818, OMIM 600105.

Submissions (7):

Natera, Inc.
Classification: Likely pathogenic for Leber congenital amaurosis. Last evaluated: 2024-05-16. Review status: criteria provided, single submitter. Criteria: Natera Variant Classification Schema (03/2026). Collection method: clinical testing. Allele origin: germline.
Comment: The c.3172G>T variant in CRB1 is a nonsense variant predicted to introduce a stop codon at amino acid 1058. This variant is expected to result in nonsense mediated decay, truncation, or a dysfunctional protein product. This variant is rare in the general population with a frequency below the threshold expected for the associated phenotype(s). Given the available evidence, this variant is classified as Likely Pathogenic.

Baylor Genetics
Classification: Pathogenic for Leber congenital amaurosis 8. Last evaluated: 2024-03-13. Review status: criteria provided, single submitter. Criteria: ACMG Guidelines, 2015. Collection method: clinical testing. Allele origin: unknown.

Genome-Nilou Lab
Classification: Pathogenic for Leber congenital amaurosis 8. Last evaluated: 2023-04-11. Review status: criteria provided, single submitter. Criteria: ACMG Guidelines, 2015. Collection method: clinical testing. Allele origin: germline. Affected: no.

Genome-Nilou Lab
Classification: Pathogenic for Retinitis pigmentosa 12. Last evaluated: 2023-04-11. Review status: criteria provided, single submitter. Criteria: ACMG Guidelines, 2015. Collection method: clinical testing. Allele origin: germline. Affected: no.

Labcorp Genetics (formerly Invitae), Labcorp
Classification: Pathogenic for Leber congenital amaurosis 8; Retinitis pigmentosa 12. Last evaluated: 2022-06-14. Review status: criteria provided, single submitter. Criteria: Invitae Variant Classification Sherloc (09022015). Collection method: clinical testing. Allele origin: germline.
Comment: This sequence change creates a premature translational stop signal (p.Glu1058*) in the CRB1 gene. It is expected to result in an absent or disrupted protein product. Loss-of-function variants in CRB1 are known to be pathogenic (PMID: 10508521, 22065545, 23379534, 25412400, 26957898, 28041643, 29391521). This variant is not present in population databases (gnomAD no frequency). This variant has not been reported in the literature in individuals affected with CRB1-related conditions. ClinVar contains an entry for this variant (Variation ID: 521051). For these reasons, this variant has been classified as Pathogenic.

Ambry Genetics
Classification: Pathogenic for Inborn genetic diseases. Last evaluated: 2016-05-05. Review status: criteria provided, single submitter. Criteria: Ambry exome assertion method (8-5-2015). Collection method: clinical testing. Allele origin: germline. Affected: yes. Observed: 1 variant allele.

Joint Genome Diagnostic Labs from Nijmegen and Maastricht, Radboudumc and MUMC+
Classification: Pathogenic for Stargardt disease. Last evaluated: 2016-09-01. Review status: no assertion criteria provided. Collection method: clinical testing. Allele origin: unknown. Affected: yes. Observed: 1 variant allele. Not counted in ClinVar's aggregate classification.

Literature cited by the submitters: PubMed 10508521 (cited by Labcorp Genetics (formerly Invitae), Labcorp); PubMed 22065545 (cited by Labcorp Genetics (formerly Invitae), Labcorp); PubMed 23379534 (cited by Labcorp Genetics (formerly Invitae), Labcorp); PubMed 25412400 (cited by Labcorp Genetics (formerly Invitae), Labcorp); PubMed 26957898 (cited by Labcorp Genetics (formerly Invitae), Labcorp); PubMed 28041643 (cited by Labcorp Genetics (formerly Invitae), Labcorp); PubMed 29391521 (cited by Labcorp Genetics (formerly Invitae), Labcorp).

NM_201253.3(CRB1):c.3172G>T (p.Glu1058Ter)

Gene: CRB1 (crumbs cell polarity complex component 1; plus strand). Cytogenetic location: 1q31.3.
Variant type: single nucleotide variant.
Coding change: c.3172G>T on transcript NM_201253.3 (MANE Select); coding-DNA position 3172, G replaced by T.
Protein change: p.Glu1058Ter; replaces glutamic acid 1058 with a stop codon.
Molecular consequence: nonsense. On other transcripts: non-coding transcript variant (2), intron variant (1).
Genome position (GRCh38, 1-based): chr1:197,435,035, G>T. VCF-style: chr1-197435035-G-T. GRCh37 (hg19) VCF-style: chr1-197404165-G-T.
Other names: c.2836G>T, p.Glu946Ter (NM_001193640.2); c.3100G>T, p.Glu1034Ter (NM_001257965.2); c.2129-565G>T (NM_001257966.2); short protein forms E1058*, E1034*, E946*.
Identifiers: ClinVar variation 521051 (VCV000521051.17), dbSNP rs564754426, ClinGen allele CA344046346.